The following is an entry in ClinVar:

ClinVar aggregate classification (germline): Likely pathogenic (1 of 4 stars; one submission).

Conditions:
PEX1-related peroxisome biogenesis disorder.

Submission:

Dasa
Classification: Likely pathogenic for PEX1-related peroxisome biogenesis disorder. Last evaluated: 2026-02-25. Review status: criteria provided, single submitter. Criteria: DASA Assertion Criteria. Collection method: clinical testing. Allele origin: germline.
Comment: NM_000466.3(PEX1):c.871A>T (p.Lys291*) is a nonsense variant in PEX1 predicted to introduce a premature termination codon and is predicted to result in an absent or altered protein product. Loss of function is an established disease mechanism for PEX1-associated disorders. Also, this variant is absent from population databases. Based on the currently available evidence, this variant is classified as likely pathogenic.

NM_000466.3(PEX1):c.871A>T (p.Lys291Ter)

Gene: PEX1 (peroxisomal biogenesis factor 1; minus strand). Cytogenetic location: 7q21.2.
Variant type: single nucleotide variant.
Coding change: c.871A>T on transcript NM_000466.3 (MANE Select); coding-DNA position 871, A replaced by T.
Protein change: p.Lys291Ter; replaces lysine 291 with a stop codon.
Molecular consequence: nonsense.
Genome position (GRCh38, 1-based): chr7:92,517,644, T>A on the plus strand (A>T on the coding strand, the complement: PEX1 is on the minus strand). VCF-style: chr7-92517644-T-A. GRCh37 (hg19) VCF-style: chr7-92146958-T-A.
Other names: c.871A>T, p.Lys291Ter (NM_001282677.2); c.247A>T, p.Lys83Ter (NM_001282678.2); short protein forms K291*, K83*.
Identifiers: ClinVar variation 4881122 (VCV004881122.2).
Genomic context (GRCh38, chr7:92,517,644, plus strand): 5'-CACAGTGTTTATGAAAAACAGAGGTTGCTGACGCGTTATATATACTAGGAGGTTGAGATT[T>A]GCATACTCTGAAAATATTGTCTAGAGGAACAACCTTTGACTGCATATTTTTGAATGCATT-3'